The following is an entry in ClinVar:

NM_000263.4(NAGLU):c.31G>C (p.Gly11Arg)

Genes: NAGLU (N-acetyl-alpha-glucosaminidase; plus strand), LOC130060903 (ATAC-STARR-seq lymphoblastoid silent region 8533; plus strand). Cytogenetic location: 17q21.2.
Variant type: single nucleotide variant.
Coding change: c.31G>C on transcript NM_000263.4 (MANE Select); coding-DNA position 31, G replaced by C.
Protein change: p.Gly11Arg; replaces glycine 11 with arginine.
Molecular consequence: missense variant.
Genome position (GRCh38, 1-based): chr17:42,536,303, G>C. VCF-style: chr17-42536303-G-C. GRCh37 (hg19) VCF-style: chr17-40688321-G-C.
Other names: short protein forms G11R.
Identifiers: ClinVar variation 2012840 (VCV002012840.1), dbSNP rs1223158492, ClinGen allele CA399594976.

ClinVar aggregate classification (germline): Uncertain significance (1 of 4 stars; one submission).

Conditions:
Mucopolysaccharidosis, MPS-III-B (MPS3B). Also called: N-ACETYL-ALPHA-D-GLUCOSAMINIDASE DEFICIENCY; NAGLU DEFICIENCY; SANFILIPPO SYNDROME B; MPS III B; Mucopolysaccharidosis type IIIB (Sanfilippo B); MPS IIIB (Sanfilippo Syndrome Type B). Identifiers: Orphanet 79270, MedGen C0086648, MONDO:0009656, OMIM 252920.
Charcot-Marie-Tooth disease axonal type 2V. Also called: CHARCOT-MARIE-TOOTH NEUROPATHY, TYPE 2V; CHARCOT-MARIE-TOOTH DISEASE, AXONAL, AUTOSOMAL DOMINANT, TYPE 2V. Identifiers: Orphanet 447964, MedGen C5569050, MONDO:0014665, OMIM 616491.

Allele frequency attached by ClinVar (database versions not stated): gnomAD exomes below 0.00001; gnomAD 0.00001; TOPMed 0.00001.

Submission:

Labcorp Genetics (formerly Invitae), Labcorp
Classification: Uncertain significance for Charcot-Marie-Tooth disease axonal type 2V; Mucopolysaccharidosis, MPS-III-B. Last evaluated: 2022-07-01. Review status: criteria provided, single submitter. Criteria: Invitae Variant Classification Sherloc (09022015). Collection method: clinical testing. Allele origin: germline.
Comment: This sequence change replaces glycine, which is neutral and non-polar, with arginine, which is basic and polar, at codon 11 of the NAGLU protein (p.Gly11Arg). This variant is not present in population databases (gnomAD no frequency). This variant has not been reported in the literature in individuals affected with NAGLU-related conditions. Advanced modeling of protein sequence and biophysical properties (such as structural, functional, and spatial information, amino acid conservation, physicochemical variation, residue mobility, and thermodynamic stability) performed at Invitae indicates that this missense variant is not expected to disrupt NAGLU protein function. In summary, the available evidence is currently insufficient to determine the role of this variant in disease. Therefore, it has been classified as a Variant of Uncertain Significance.